The following is an entry in ClinVar:

ClinVar aggregate classification (germline): Uncertain significance (1 of 4 stars; one submission).

gnomAD v4.1: 1 of 1,211,558 alleles (0.000083%); highest among the groups gnomAD compares: Non-Finnish European, 0.00011%; no homozygotes.

Submission:

GeneDx
Classification: Uncertain significance. Last evaluated: 2026-02-05. Review status: criteria provided, single submitter. Criteria: GeneDx Variant Classification Process June 2021. Collection method: clinical testing. Allele origin: germline.
Comment: Not observed at significant frequency in large population cohorts (gnomAD); In silico analysis supports that this missense variant has a deleterious effect on protein structure/function; Has not been previously published as pathogenic or benign to our knowledge

NM_030624.3(KLHL15):c.1697A>T (p.Asp566Val)

Gene: KLHL15 (kelch like family member 15; minus strand). Cytogenetic location: Xp22.11.
Variant type: single nucleotide variant.
Coding change: c.1697A>T on transcript NM_030624.3 (MANE Select); coding-DNA position 1697, A replaced by T.
Protein change: p.Asp566Val; replaces aspartic acid 566 with valine.
Molecular consequence: missense variant.
Genome position (GRCh38, 1-based): chrX:23,988,039, T>A on the plus strand (A>T on the coding strand, the complement: KLHL15 is on the minus strand). VCF-style: chrX-23988039-T-A. GRCh37 (hg19) VCF-style: chrX-24006156-T-A.
Other names: short protein forms D566V.
Identifiers: ClinVar variation 4976286 (VCV004976286.1).